The following is an entry in ClinVar:

ClinVar aggregate classification (germline): Uncertain significance. Review status: criteria provided, multiple submitters, no conflicts (2 of 4 stars). 3 submissions from 3 submitters: Uncertain significance (2). 1 of the submissions does not count toward it. Last evaluated 2023-10-28.

Conditions:
Optic atrophy. Identifiers: MedGen C0029124, MONDO:0003608, HP:0000648.
Hereditary cancer-predisposing syndrome. Also called: Hereditary Cancer Syndrome; Hereditary neoplastic syndrome; Neoplastic Syndromes, Hereditary; Tumor predisposition. Identifiers: Orphanet 140162, MedGen C0027672, MeSH D009386, MONDO:0015356.
Retinoblastoma (RB1). Also called: RETINOBLASTOMA, SOMATIC. Identifiers: Orphanet 790, MedGen C0035335, MeSH D012175, MONDO:0008380, OMIM 180200, HP:0009919. Disease mechanism: loss of function. Inheritance: Both sporadic and heritable forms are tested..

Allele frequency attached by ClinVar (database versions not stated): gnomAD exomes below 0.00001.

Submissions (3):

Labcorp Genetics (formerly Invitae), Labcorp
Classification: Uncertain significance for Retinoblastoma. Last evaluated: 2023-10-28. Review status: criteria provided, single submitter. Criteria: Invitae Variant Classification Sherloc (09022015). Collection method: clinical testing. Allele origin: germline.
Comment: This sequence change replaces glutamic acid, which is acidic and polar, with aspartic acid, which is acidic and polar, at codon 323 of the RB1 protein (p.Glu323Asp). This variant is not present in population databases (gnomAD no frequency). This variant has not been reported in the literature in individuals affected with RB1-related conditions. ClinVar contains an entry for this variant (Variation ID: 1767821). Advanced modeling of protein sequence and biophysical properties (such as structural, functional, and spatial information, amino acid conservation, physicochemical variation, residue mobility, and thermodynamic stability) performed at Invitae indicates that this missense variant is not expected to disrupt RB1 protein function with a negative predictive value of 80%. In summary, the available evidence is currently insufficient to determine the role of this variant in disease. Therefore, it has been classified as a Variant of Uncertain Significance.

Ambry Genetics
Classification: Uncertain significance for Hereditary cancer-predisposing syndrome. Last evaluated: 2023-02-02. Review status: criteria provided, single submitter. Criteria: Ambry Variant Classification Scheme 2023. Collection method: clinical testing. Allele origin: germline.
Comment: The p.E323D variant (also known as c.969A>C), located in coding exon 10 of the RB1 gene, results from an A to C substitution at nucleotide position 969. The glutamic acid at codon 323 is replaced by aspartic acid, an amino acid with highly similar properties. This amino acid position is well conserved in available vertebrate species. In addition, the in silico prediction for this alteration is inconclusive. Since supporting evidence is limited at this time, the clinical significance of this alteration remains unclear.

Institute of Human Genetics, Univ. Regensburg, Univ. Regensburg
Classification: Uncertain significance for Optic atrophy. Last evaluated: 2022-01-01. Review status: no assertion criteria provided. Criteria: ACMG Guidelines, 2015. Collection method: clinical testing. Allele origin: germline. Affected: yes. Not counted in ClinVar's aggregate classification.

NM_000321.3(RB1):c.969A>C (p.Glu323Asp)

Gene: RB1 (RB transcriptional corepressor 1; plus strand). Cytogenetic location: 13q14.2.
Variant type: single nucleotide variant.
Coding change: c.969A>C on transcript NM_000321.3 (MANE Select); coding-DNA position 969, A replaced by C.
Protein change: p.Glu323Asp; replaces glutamic acid 323 with aspartic acid.
Molecular consequence: missense variant.
Genome position (GRCh38, 1-based): chr13:48,367,523, A>C. VCF-style: chr13-48367523-A-C. GRCh37 (hg19) VCF-style: chr13-48941659-A-C.
Other names: c.969A>C, p.Glu323Asp (NM_001407165.1, NM_001407166.1); short protein forms E323D.
Identifiers: ClinVar variation 1767821 (VCV001767821.7), dbSNP rs2542188451, ClinGen allele CA388160663.